The following is an entry in ClinVar:

NM_000321.3(RB1):c.640A>G (p.Ile214Val)

Gene: RB1 (RB transcriptional corepressor 1; plus strand). Cytogenetic location: 13q14.2.
Variant type: single nucleotide variant.
Coding change: c.640A>G on transcript NM_000321.3 (MANE Select); coding-DNA position 640, A replaced by G.
Protein change: p.Ile214Val; replaces isoleucine 214 with valine.
Molecular consequence: missense variant.
Genome position (GRCh38, 1-based): chr13:48,360,049, A>G. VCF-style: chr13-48360049-A-G. GRCh37 (hg19) VCF-style: chr13-48934185-A-G.
Other names: short protein forms I214V.
Identifiers: ClinVar variation 948979 (VCV000948979.9), dbSNP rs1952625382, ClinGen allele CA388158226.

ClinVar aggregate classification (germline): Uncertain significance (1 of 4 stars; one submission).

Conditions:
Retinoblastoma (RB1). Also called: RETINOBLASTOMA, SOMATIC. Identifiers: Orphanet 790, MedGen C0035335, MeSH D012175, MONDO:0008380, OMIM 180200, HP:0009919. Disease mechanism: loss of function. Inheritance: Both sporadic and heritable forms are tested..

Allele frequency attached by ClinVar (database versions not stated): gnomAD exomes below 0.00001.
gnomAD v4.1: 1 of 1,612,446 alleles (0.000062%); highest among the groups gnomAD compares: Non-Finnish European, 0.000085%; no homozygotes.

Submission:

Labcorp Genetics (formerly Invitae), Labcorp
Classification: Uncertain significance for Retinoblastoma. Last evaluated: 2019-06-15. Review status: criteria provided, single submitter. Criteria: Invitae Variant Classification Sherloc (09022015). Collection method: clinical testing. Allele origin: germline.
Comment: This variant has not been reported in the literature in individuals with RB1-related conditions. This variant is not present in population databases (ExAC no frequency). This sequence change replaces isoleucine with valine at codon 214 of the RB1 protein (p.Ile214Val). The isoleucine residue is highly conserved and there is a small physicochemical difference between isoleucine and valine. Algorithms developed to predict the effect of missense changes on protein structure and function (SIFT, PolyPhen-2, Align-GVGD) all suggest that this variant is likely to be disruptive, but these predictions have not been confirmed by published functional studies and their clinical significance is uncertain. In summary, the available evidence is currently insufficient to determine the role of this variant in disease. Therefore, it has been classified as a Variant of Uncertain Significance.